The following is an entry in ClinVar:

NM_006031.6(PCNT):c.3000A>G (p.Gln1000=)

Gene: PCNT (pericentrin; plus strand). Cytogenetic location: 21q22.3.
Variant type: single nucleotide variant.
Coding change: c.3000A>G on transcript NM_006031.6 (MANE Select); coding-DNA position 3000, A replaced by G.
Protein change: p.Gln1000=; no amino-acid change (glutamine 1000 retained).
Molecular consequence: synonymous variant.
Genome position (GRCh38, 1-based): chr21:46,366,974, A>G. VCF-style: chr21-46366974-A-G. GRCh37 (hg19) VCF-style: chr21-47786889-A-G.
Other names: c.3000A>G (NM_006031.5); c.2646A>G, p.Gln882= (NM_001315529.2).
Identifiers: ClinVar variation 2715609 (VCV002715609.4), dbSNP rs1361983841, ClinGen allele CA513173725.

ClinVar aggregate classification (germline): Likely benign. Review status: criteria provided, multiple submitters, no conflicts (2 of 4 stars). 2 submissions from 2 submitters: Likely benign (2). Last evaluated 2024-12-05.

Conditions:
PCNT-related disorder. Also called: PCNT-related condition.

Allele frequency attached by ClinVar (database versions not stated): gnomAD exomes 0.00001; gnomAD 0.00001.

Submissions (2):

PreventionGenetics, part of Exact Sciences
Classification: Likely benign for PCNT-related condition. Last evaluated: 2024-12-05. Review status: criteria provided, single submitter. Criteria: ACMG Guidelines, 2015. Collection method: clinical testing. Allele origin: germline.
Comment: This variant is classified as likely benign based on ACMG/AMP sequence variant interpretation guidelines (Richards et al. 2015 PMID: 25741868, with internal and published modifications).

Labcorp Genetics (formerly Invitae), Labcorp
Classification: Likely benign. Last evaluated: 2023-01-24. Review status: criteria provided, single submitter. Criteria: Invitae Variant Classification Sherloc (09022015). Collection method: clinical testing. Allele origin: germline.